The following is an entry in ClinVar:

NM_005529.7(HSPG2):c.705G>A (p.Glu235=)

Gene: HSPG2 (heparan sulfate proteoglycan 2; minus strand). Cytogenetic location: 1p36.12.
Variant type: single nucleotide variant.
Coding change: c.705G>A on transcript NM_005529.7 (MANE Select); coding-DNA position 705, G replaced by A.
Protein change: p.Glu235=; no amino-acid change (glutamic acid 235 retained).
Molecular consequence: synonymous variant.
Genome position (GRCh38, 1-based): chr1:21,887,673, C>T on the plus strand (G>A on the coding strand, the complement: HSPG2 is on the minus strand). VCF-style: chr1-21887673-C-T. GRCh37 (hg19) VCF-style: chr1-22214166-C-T.
Other names: c.705G>A, p.Glu235= (NM_001291860.2).
Identifiers: ClinVar variation 1904521 (VCV001904521.5), dbSNP rs755921120, ClinGen allele CA19162485.

ClinVar aggregate classification (germline): Uncertain significance (1 of 4 stars; one submission).

Allele frequency attached by ClinVar (database versions not stated): gnomAD 0.00001; gnomAD exomes 0.00001; TOPMed 0.00001.

Submission:

Labcorp Genetics (formerly Invitae), Labcorp
Classification: Uncertain significance. Last evaluated: 2022-09-01. Review status: criteria provided, single submitter. Criteria: Invitae Variant Classification Sherloc (09022015). Collection method: clinical testing. Allele origin: germline.
Comment: This sequence change affects codon 235 of the HSPG2 mRNA. It is a 'silent' change, meaning that it does not change the encoded amino acid sequence of the HSPG2 protein. This variant is present in population databases (rs755921120, gnomAD 0.002%). This variant has not been reported in the literature in individuals affected with HSPG2-related conditions. Algorithms developed to predict the effect of sequence changes on RNA splicing suggest that this variant may create or strengthen a splice site. In summary, the available evidence is currently insufficient to determine the role of this variant in disease. Therefore, it has been classified as a Variant of Uncertain Significance.